The following is an entry in ClinVar:

NM_001354930.2(RIPK1):c.528_532del (p.Arg177fs)

Gene: RIPK1 (receptor interacting serine/threonine kinase 1; plus strand). Cytogenetic location: 6p25.2.
Variant type: Deletion.
Coding change: c.528_532del on transcript NM_001354930.2 (MANE Select); coding-DNA positions 528 to 532, 5 bases deleted (GAGGG; older notation c.528_532delGAGGG).
Protein change: p.Arg177fs; shifts the reading frame from arginine 177.
Molecular consequence: frameshift variant.
Genome position (GRCh38, 1-based): chr6:3,083,153-3,083,157, GAGGG deleted. VCF-style (leftmost placement, unchanged base first): chr6-3083152-TGAGGG-T. GRCh37 (hg19) VCF-style: chr6-3083386-TGAGGG-T.
Other names: c.39_43del, p.Arg14fs (NM_001317061.3, NM_001354932.2, NM_001354933.2 and 1 more transcripts); c.390_394del, p.Arg131fs (NM_001354931.2); c.528_532del, p.Arg177fs (NM_003804.6); short protein forms R131fs, R14fs, R177fs.
Identifiers: ClinVar variation 1457300 (VCV001457300.6), dbSNP rs2113607375, ClinGen allele CA2573140138.

ClinVar aggregate classification (germline): Pathogenic. Review status: criteria provided, multiple submitters, no conflicts (2 of 4 stars). 2 submissions from 2 submitters: Pathogenic (2). Last evaluated 2023-02-23.

Conditions:
Immunodeficiency 57. Also called: IMMUNODEFICIENCY 57 WITH AUTOINFLAMMATION. Identifiers: MedGen C4748212, MONDO:0020849, OMIM 618108.

Submissions (2):

3billion
Classification: Pathogenic for Immunodeficiency 57. Last evaluated: 2023-02-23. Review status: criteria provided, single submitter. Criteria: ACMG Guidelines, 2015. Collection method: clinical testing. Allele origin: unknown. Affected: yes.
Comment: The variant is not observed in the gnomAD v2.1.1 dataset. This variant was predicted to result in a loss or disruption of normal protein function through nonsense-mediated decay (NMD) or protein truncation. Multiple pathogenic variants are reported downstream of the variant. The variant has been reported to be associated with RIPK1 related disorder (ClinVar ID: VCV001457300). Therefore, this variant is classified as Pathogenic according to the recommendation of ACMG/AMP guideline.

Labcorp Genetics (formerly Invitae), Labcorp
Classification: Pathogenic. Last evaluated: 2021-07-05. Review status: criteria provided, single submitter. Criteria: Invitae Variant Classification Sherloc (09022015). Collection method: clinical testing. Allele origin: germline.
Comment: This sequence change creates a premature translational stop signal (p.Arg177Serfs*6) in the RIPK1 gene. It is expected to result in an absent or disrupted protein product. Loss-of-function variants in RIPK1 are known to be pathogenic (PMID: 31213653). This variant is not present in population databases (ExAC no frequency). For these reasons, this variant has been classified as Pathogenic. This variant has not been reported in the literature in individuals with RIPK1-related conditions.

Literature cited by the submitters: PubMed 31213653 (cited by Labcorp Genetics (formerly Invitae), Labcorp).